The following is an entry in ClinVar:

NM_022552.5(DNMT3A):c.1280-7C>T

Gene: DNMT3A (DNA methyltransferase 3 alpha; minus strand). Cytogenetic location: 2p23.3.
Variant type: single nucleotide variant.
Coding change: c.1280-7C>T on transcript NM_022552.5 (MANE Select); 7 bases into the intron before coding-DNA position 1280, C replaced by T.
Molecular consequence: intron variant.
Genome position (GRCh38, 1-based): chr2:25,246,316, G>A on the plus strand (C>T on the coding strand, the complement: DNMT3A is on the minus strand). VCF-style: chr2-25246316-G-A. GRCh37 (hg19) VCF-style: chr2-25469185-G-A.
Other names: c.1280-7C>T (NM_175629.2); c.713-7C>T (NM_153759.3); c.824-7C>T (NM_001320893.1); c.611-7C>T (NM_001375819.1).
Identifiers: ClinVar variation 772110 (VCV000772110.37), dbSNP rs151060791, ClinGen allele CA1556076.

ClinVar aggregate classification (germline): Benign/Likely benign. Review status: criteria provided, multiple submitters, no conflicts (2 of 4 stars). 5 submissions from 5 submitters: Benign (4); Likely benign (1). Last evaluated 2026-01-26.

Conditions:
Tatton-Brown-Rahman overgrowth syndrome. Also called: Tall stature-intellectual disability-facial dysmorphism syndrome; Tatton-Brown-Rahman syndrome. Identifiers: Orphanet 404443, MedGen C4014545, MONDO:0014382, OMIM 615879.

Allele frequency attached by ClinVar (database versions not stated): gnomAD 0.00426 and 0.00458; TOPMed 0.00441; 1000 Genomes Project 30x 0.00453; 1000 Genomes Project 0.00459; ESP Exome Variant Server 0.00546.
gnomAD v4.1: 1,227 of 1,593,156 alleles (0.077%); highest among the groups gnomAD compares: African/African-American, 1.5%; 11 homozygotes.

Submissions (5):

Labcorp Genetics (formerly Invitae), Labcorp
Classification: Benign for Tatton-Brown-Rahman overgrowth syndrome. Last evaluated: 2026-01-26. Review status: criteria provided, single submitter. Criteria: Invitae Variant Classification Sherloc (09022015). Collection method: clinical testing. Allele origin: germline.

Blueprint Genetics
Classification: Likely benign. Last evaluated: 2024-10-18. Review status: criteria provided, single submitter. Criteria: ACMG Guidelines, 2015. Collection method: clinical testing. Allele origin: germline.

CeGaT Center for Human Genetics Tuebingen
Classification: Benign. Last evaluated: 2023-05-01. Review status: criteria provided, single submitter. Criteria: CeGaT Center For Human Genetics Tuebingen Variant Classification Criteria Version 2. Collection method: clinical testing. Allele origin: germline. Affected: yes. Observed: 2 variant alleles.
Comment: DNMT3A: BP4, BS1, BS2

GeneDx
Classification: Benign. Last evaluated: 2020-03-18. Review status: criteria provided, single submitter. Criteria: GeneDx Variant Classification Process June 2021. Collection method: clinical testing. Allele origin: germline. Affected: yes.

Breakthrough Genomics
Classification: Benign. Review status: criteria provided, single submitter. Criteria: ACMG Guidelines, 2015. Collection method: not provided. Allele origin: germline. Inheritance: Autosomal dominant inheritance. Affected: yes.